The following is an entry in ClinVar:

NM_001037333.3(CYFIP2):c.694C>T (p.Pro232Ser)

Gene: CYFIP2 (cytoplasmic FMR1 interacting protein 2; plus strand). Cytogenetic location: 5q33.3.
Variant type: single nucleotide variant.
Coding change: c.694C>T on transcript NM_001037333.3 (MANE Select); coding-DNA position 694, C replaced by T.
Protein change: p.Pro232Ser; replaces proline 232 with serine.
Molecular consequence: missense variant.
Genome position (GRCh38, 1-based): chr5:157,304,265, C>T. VCF-style: chr5-157304265-C-T. GRCh37 (hg19) VCF-style: chr5-156731273-C-T.
Other names: c.616C>T, p.Pro206Ser (NM_001291721.2); c.694C>T, p.Pro232Ser (NM_001291722.2, NM_014376.4); short protein forms P232S, P206S.
Identifiers: ClinVar variation 2730504 (VCV002730504.3), dbSNP rs2113899731, ClinGen allele CA361967161.

ClinVar aggregate classification (germline): Uncertain significance (1 of 4 stars; one submission).

Submission:

Labcorp Genetics (formerly Invitae), Labcorp
Classification: Uncertain significance. Last evaluated: 2023-06-27. Review status: criteria provided, single submitter. Criteria: Invitae Variant Classification Sherloc (09022015). Collection method: clinical testing. Allele origin: germline.
Comment: This sequence change replaces proline, which is neutral and non-polar, with serine, which is neutral and polar, at codon 232 of the CYFIP2 protein (p.Pro232Ser). This variant is not present in population databases (gnomAD no frequency). This variant has not been reported in the literature in individuals affected with CYFIP2-related conditions. Experimental studies and prediction algorithms are not available or were not evaluated, and the functional significance of this variant is currently unknown. In summary, the available evidence is currently insufficient to determine the role of this variant in disease. Therefore, it has been classified as a Variant of Uncertain Significance.